The following is an entry in ClinVar:

ClinVar aggregate classification (germline): Likely benign. Review status: criteria provided, single submitter (1 of 4 stars). 2 submissions from 2 submitters: Likely benign (1). 1 of the submissions does not count toward it. Last evaluated 2025-04-16.

Conditions:
KAT6B-related disorder. Also called: KAT6B-related disorders; KAT6B-related condition.
Genitopatellar syndrome (GTPTS). Also called: ABSENT PATELLAE, SCROTAL HYPOPLASIA, RENAL ANOMALIES, FACIAL DYSMORPHISM, AND MENTAL RETARDATION; Genitopatellar syndrome (GPS). Identifiers: Orphanet 85201, MedGen C1853566, MONDO:0011640, OMIM 606170.

Allele frequency attached by ClinVar (database versions not stated): gnomAD exomes 0.00002 and 0.00006; TOPMed 0.00003; gnomAD 0.00004.
gnomAD v4.1: 97 of 1,614,010 alleles (0.006%); highest among the groups gnomAD compares: Non-Finnish European, 0.0078%; no homozygotes.

Submissions (2):

Labcorp Genetics (formerly Invitae), Labcorp
Classification: Likely benign for Genitopatellar syndrome. Last evaluated: 2025-04-16. Review status: criteria provided, single submitter. Criteria: Invitae Variant Classification Sherloc (09022015). Collection method: clinical testing. Allele origin: germline.

PreventionGenetics, part of Exact Sciences
Classification: Likely benign for KAT6B-related condition. Last evaluated: 2019-03-20. Review status: no assertion criteria provided. Collection method: clinical testing. Allele origin: germline. Not counted in ClinVar's aggregate classification.
Comment: This variant is classified as likely benign based on ACMG/AMP sequence variant interpretation guidelines (Richards et al. 2015 PMID: 25741868, with internal and published modifications).

NM_012330.4(KAT6B):c.6054A>G (p.Gln2018=)

Gene: KAT6B (lysine acetyltransferase 6B; plus strand). Cytogenetic location: 10q22.2.
Variant type: single nucleotide variant.
Coding change: c.6054A>G on transcript NM_012330.4 (MANE Select); coding-DNA position 6054, A replaced by G.
Protein change: p.Gln2018=; no amino-acid change (glutamine 2018 retained).
Molecular consequence: synonymous variant.
Genome position (GRCh38, 1-based): chr10:75,030,878, A>G. VCF-style: chr10-75030878-A-G. GRCh37 (hg19) VCF-style: chr10-76790636-A-G.
Other names: c.6054A>G (NM_012330.3); c.5505A>G, p.Gln1835= (NM_001256468.2, NM_001370138.1); c.5178A>G, p.Gln1726= (NM_001256469.2, NM_001370139.1, NM_001370140.1 and 2 more transcripts); c.5016A>G, p.Gln1672= (NM_001370132.1); c.4365A>G, p.Gln1455= (NM_001370133.1); c.3969A>G, p.Gln1323= (NM_001370134.1); c.3711A>G, p.Gln1237= (NM_001370135.1); c.6054A>G, p.Gln2018= (NM_001370136.1, NM_001370137.1); and 1 more.
Identifiers: ClinVar variation 1630178 (VCV001630178.10), dbSNP rs1446331653, ClinGen allele CA470300965.